The following is an entry in ClinVar:

ClinVar aggregate classification (germline): Likely pathogenic. Review status: criteria provided, multiple submitters, no conflicts (2 of 4 stars). 2 submissions from 2 submitters: Likely pathogenic (2). Last evaluated 2026-05-12.

Conditions:
Long QT syndrome (LQTS). Identifiers: MedGen C0023976, MeSH D008133, MONDO:0002442. Disease mechanism: loss of function. Inheritance: Various modes of inheritance.

Submissions (2):

Women's Health and Genetics/Laboratory Corporation of America, LabCorp
Classification: Likely pathogenic for Long QT syndrome. Last evaluated: 2026-05-12. Review status: criteria provided, single submitter. Criteria: LabCorp Variant Classification Summary - May 2015. Collection method: clinical testing. Allele origin: germline.
Comment: Variant summary: KCNH2 c.2966-2A>G is located in a canonical splice-site and is predicted to affect mRNA splicing resulting in a significantly altered protein due to either exon skipping, shortening, or inclusion of intronic material. Variants that disrupt the consensus splice site are a relatively common cause of aberrant splicing and loss of KCNH2 function. Several computational tools predict a significant impact on normal splicing: Four predict the variant abolishes the canonical 3' acceptor site and also creates a new cryptic 3' acceptor site. However, these predictions have yet to be confirmed by functional studies. The variant was absent in 214762 control chromosomes. c.2966-2A>G has been observed in an individual affected with Long QT Syndrome (Aizawa_2023). To our knowledge, no experimental evidence demonstrating an impact on protein function has been reported. The following publication has been ascertained in the context of this evaluation (PMID: 36861347). ClinVar contains an entry for this variant (Variation ID: 4710895). Based on the evidence outlined above, the variant was classified as likely pathogenic.

Labcorp Genetics (formerly Invitae), Labcorp
Classification: Likely pathogenic for Long QT syndrome. Last evaluated: 2025-11-09. Review status: criteria provided, single submitter. Criteria: Invitae Variant Classification Sherloc (09022015). Collection method: clinical testing. Allele origin: germline.
Comment: This sequence change affects an acceptor splice site in intron 12 of the KCNH2 gene. It is expected to disrupt RNA splicing. Variants that disrupt the donor or acceptor splice site typically lead to a loss of protein function (PMID: 16199547), and loss-of-function variants in KCNH2 are known to be pathogenic (PMID: 10973849, 19862833). This variant is not present in population databases (gnomAD no frequency). Disruption of this splice site has been observed in individual(s) with cardiac arrhythmia and/or long QT syndrome (PMID: 36861347; internal data). Algorithms developed to predict the effect of sequence changes on RNA splicing suggest that this variant may disrupt the consensus splice site. In summary, the currently available evidence indicates that the variant is pathogenic, but additional data are needed to prove that conclusively. Therefore, this variant has been classified as Likely Pathogenic.

Literature cited by the submitters: PubMed 36861347 (cited by Women's Health and Genetics/Laboratory Corporation of America, LabCorp and Labcorp Genetics (formerly Invitae), Labcorp); PubMed 16199547 (cited by Labcorp Genetics (formerly Invitae), Labcorp); PubMed 10973849 (cited by Labcorp Genetics (formerly Invitae), Labcorp); PubMed 19862833 (cited by Labcorp Genetics (formerly Invitae), Labcorp).

NM_000238.4(KCNH2):c.2966-2A>G

Gene: KCNH2 (potassium voltage-gated channel subfamily H member 2; minus strand). Cytogenetic location: 7q36.1.
Variant type: single nucleotide variant.
Coding change: c.2966-2A>G on transcript NM_000238.4 (MANE Select); the canonical splice acceptor site of the intron before coding-DNA position 2966, A replaced by G.
Molecular consequence: splice acceptor variant.
Genome position (GRCh38, 1-based): chr7:150,947,516, T>C on the plus strand (A>G on the coding strand, the complement: KCNH2 is on the minus strand). VCF-style: chr7-150947516-T-C. GRCh37 (hg19) VCF-style: chr7-150644604-T-C.
Other names: c.2678-2A>G (NM_001406753.1); c.1946-2A>G (NM_172057.3).
Identifiers: ClinVar variation 4710895 (VCV004710895.2).